The following is an entry in ClinVar:

NM_005660.3(SLC35A2):c.92-233G>A

Gene: SLC35A2 (solute carrier family 35 member A2; minus strand). Cytogenetic location: Xp11.23.
Variant type: single nucleotide variant.
Coding change: c.92-233G>A on transcript NM_005660.3 (MANE Select); 233 bases into the intron before coding-DNA position 92, G replaced by A.
Molecular consequence: intron variant.
Genome position (GRCh38, 1-based): chrX:48,910,229, C>T on the plus strand (G>A on the coding strand, the complement: SLC35A2 is on the minus strand). VCF-style: chrX-48910229-C-T. GRCh37 (hg19) VCF-style: chrX-48767506-C-T.
Other names: c.91+1317G>A (NM_001282649.2); c.92-233G>A (NM_001282647.2, NM_001042498.3, NM_001032289.3); c.175+5G>A (NM_001282651.2); c.131-233G>A (NM_001282650.2); c.20-233G>A (NM_001282648.2).
Identifiers: ClinVar variation 3042218 (VCV003042218.3), dbSNP rs190055560, ClinGen allele CA329101499.
Genomic context (GRCh38, chrX:48,910,229, plus strand): 5'-TGCCTCAGCCATGAGCAGGAAGAGCCAGAAGGGAGAAATGGGCCCCACCCTGTCCCAGTC[C>T]ATACCTGGAATCCTTACTGAGGTGTCAGGTAATGGCTGAGGCAAACCCTGGCCACGCGCC-3'

ClinVar aggregate classification (germline): Benign. Review status: criteria provided, single submitter (1 of 4 stars). 2 submissions from 2 submitters: Benign (1). 1 of the submissions does not count toward it. Last evaluated 2024-10-31.

Conditions:
SLC35A2-related disorder. Also called: SLC35A2-related condition.

Allele frequency attached by ClinVar (database versions not stated): gnomAD exomes 0.00014; gnomAD 0.00130; 1000 Genomes Project 0.00159; 1000 Genomes Project 30x 0.00166; TOPMed 0.00180.
gnomAD v4.1: 300 of 1,130,482 alleles (0.027%); highest among the groups gnomAD compares: Admixed American, 0.71%; 4 homozygotes.

Submissions (2):

Blueprint Genetics
Classification: Benign. Last evaluated: 2024-10-31. Review status: criteria provided, single submitter. Criteria: ACMG Guidelines, 2015. Collection method: clinical testing. Allele origin: germline.

PreventionGenetics, part of Exact Sciences
Classification: Likely benign for SLC35A2-related condition. Last evaluated: 2019-03-29. Review status: no assertion criteria provided. Collection method: clinical testing. Allele origin: germline. Not counted in ClinVar's aggregate classification.
Comment: This variant is classified as likely benign based on ACMG/AMP sequence variant interpretation guidelines (Richards et al. 2015 PMID: 25741868, with internal and published modifications).